The following is an entry in ClinVar:

NM_001134407.3(GRIN2A):c.1766C>A (p.Ala589Asp)

Gene: GRIN2A (glutamate ionotropic receptor NMDA type subunit 2A; minus strand). Cytogenetic location: 16p13.2.
Variant type: single nucleotide variant.
Coding change: c.1766C>A on transcript NM_001134407.3 (MANE Select); coding-DNA position 1766, C replaced by A.
Protein change: p.Ala589Asp; replaces alanine 589 with aspartic acid.
Molecular consequence: missense variant.
Genome position (GRCh38, 1-based): chr16:9,834,116, G>T on the plus strand (C>A on the coding strand, the complement: GRIN2A is on the minus strand). VCF-style: chr16-9834116-G-T. GRCh37 (hg19) VCF-style: chr16-9927973-G-T.
Other names: c.1766C>A, p.Ala589Asp (NM_000833.5, NM_001134408.2); short protein forms A589D.
Identifiers: ClinVar variation 2632821 (VCV002632821.1), dbSNP rs1332704840, ClinGen allele CA394799895.

ClinVar aggregate classification (germline): Uncertain significance (1 of 4 stars; one submission).

Conditions:
GRIN2A-related complex neurodevelopmental disorder. Also called: GRIN2A-related condition; GRIN2A-related disorder. Identifiers: MedGen CN379781, MONDO:1060139.

Submission:

PreventionGenetics, part of Exact Sciences
Classification: Uncertain significance for GRIN2A-related condition. Last evaluated: 2023-05-05. Review status: criteria provided, single submitter. Criteria: ACMG Guidelines, 2015. Collection method: clinical testing. Allele origin: germline.
Comment: The GRIN2A c.1766C>A variant is predicted to result in the amino acid substitution p.Ala589Asp. To our knowledge, this variant has not been reported in the literature or in a large population database, indicating this variant is rare. At this time, the clinical significance of this variant is uncertain due to the absence of conclusive functional and genetic evidence.